The following is an entry in ClinVar:

ClinVar aggregate classification (germline): Uncertain significance. Review status: criteria provided, multiple submitters, no conflicts (2 of 4 stars). 2 submissions from 2 submitters: Uncertain significance (2). Last evaluated 2025-03-11.

Conditions:
GATA6-related disorder. Also called: GATA6-related condition.
Atrioventricular septal defect 5 (AVSD5). Identifiers: MedGen C3280939, MONDO:0013769, OMIM 614474.

Submissions (2):

PreventionGenetics, part of Exact Sciences
Classification: Uncertain significance for GATA6-related condition. Last evaluated: 2025-03-11. Review status: criteria provided, single submitter. Criteria: ACMG Guidelines, 2015. Collection method: clinical testing. Allele origin: germline.
Comment: The GATA6 c.868G>T variant is predicted to result in the amino acid substitution p.Ala290Ser. To our knowledge, this variant has not been reported in the literature or in a large population database (gnomAD), indicating this variant is rare. At this time, the clinical significance of this variant is uncertain due to the absence of conclusive functional and genetic evidence.

Labcorp Genetics (formerly Invitae), Labcorp
Classification: Uncertain significance for Atrioventricular septal defect 5. Last evaluated: 2024-11-21. Review status: criteria provided, single submitter. Criteria: Invitae Variant Classification Sherloc (09022015). Collection method: clinical testing. Allele origin: germline.
Comment: This sequence change replaces alanine, which is neutral and non-polar, with serine, which is neutral and polar, at codon 290 of the GATA6 protein (p.Ala290Ser). This variant is not present in population databases (gnomAD no frequency). This variant has not been reported in the literature in individuals affected with GATA6-related conditions. ClinVar contains an entry for this variant (Variation ID: 2126263). Invitae Evidence Modeling of protein sequence and biophysical properties (such as structural, functional, and spatial information, amino acid conservation, physicochemical variation, residue mobility, and thermodynamic stability) indicates that this missense variant is not expected to disrupt GATA6 protein function with a negative predictive value of 80%. In summary, the available evidence is currently insufficient to determine the role of this variant in disease. Therefore, it has been classified as a Variant of Uncertain Significance.

NM_005257.6(GATA6):c.868G>T (p.Ala290Ser)

Gene: GATA6 (GATA binding protein 6; plus strand). Cytogenetic location: 18q11.2.
Variant type: single nucleotide variant.
Coding change: c.868G>T on transcript NM_005257.6 (MANE Select); coding-DNA position 868, G replaced by T.
Protein change: p.Ala290Ser; replaces alanine 290 with serine.
Molecular consequence: missense variant.
Genome position (GRCh38, 1-based): chr18:22,172,012, G>T. VCF-style: chr18-22172012-G-T. GRCh37 (hg19) VCF-style: chr18-19751973-G-T.
Other names: c.868G>T (NM_005257.5); short protein forms A290S.
Identifiers: ClinVar variation 2126263 (VCV002126263.5), dbSNP rs2033058388, ClinGen allele CA401801177.